The following is an entry in ClinVar:

NM_000203.5(IDUA):c.456G>A (p.Trp152Ter)

Gene: IDUA (alpha-L-iduronidase; plus strand). Cytogenetic location: 4p16.3.
Variant type: single nucleotide variant.
Coding change: c.456G>A on transcript NM_000203.5 (MANE Select); coding-DNA position 456, G replaced by A.
Protein change: p.Trp152Ter; replaces tryptophan 152 with a stop codon.
Molecular consequence: nonsense. On other transcripts: non-coding transcript variant (1).
Genome position (GRCh38, 1-based): chr4:1,000,952, G>A. VCF-style: chr4-1000952-G-A. GRCh37 (hg19) VCF-style: chr4-994740-G-A.
Other names: NM_001363576.1:c.60G>A; c.60G>A, p.Trp20Ter (NM_001363576.1); short protein forms W152*, W20*.
Identifiers: ClinVar variation 4871854 (VCV004871854.1).
Genomic context (GRCh38, chr4:1,000,952, plus strand): 5'-GATGGGCAGCGCCTCGGGCCACTTCACTGACTTTGAGGACAAGCAGCAGGTGTTTGAGTG[G>A]AAGGACTTGGTCTCCAGCCTGGCCAGGAGATACATCGGTGGGCGAGCGCAGGCCCTGGGG-3'

ClinVar aggregate classification (germline): Likely pathogenic (3 of 4 stars; one submission).

Conditions:
Mucopolysaccharidosis type 1. Also called: IDUA deficiency; MPS I; Mucopolysaccharidosis Type I. Identifiers: Orphanet 579, MedGen C0023786, MONDO:0001586.

Submission:

ClinGen Lysosomal Storage Disorder Variant Curation Expert Panel
Classification: Likely pathogenic for Mucopolysaccharidosis type 1. Last evaluated: 2026-05-04. Review status: reviewed by expert panel. Criteria: ClinGen LSD ACMG Specifications IDUA V1.2.0. Collection method: curation. Allele origin: germline. Inheritance: Autosomal recessive inheritance.
Comment: The NM_000203.5:c.456G>A p.(Trp152Ter) variant in IDUA is a nonsense variant predicted to cause a premature stop codon in biologically-relevant-exon 4 out of 14, leading to nonsense mediated decay in a gene in which loss-of-function is an established disease mechanism (PVS1). This variant has been detected in at least one individual with MPS I. This individual is compound heterozygous for this variant and c.1513C>G p.(Arg505Gly), which has been classified as pathogenic or likely pathogenic by the ClinGen Lysosomal Diseases VCEP (PMID 31194252; phase unconfirmed; 0.25 points) (PM3 unmet). This variant is absent in gnomAD v4.1.0. (PM2_Supporting). The classification of this variant has been upgraded from Variant of Uncertain Significance to Likely Pathogenic based on the recommendations of the ClinGen Sequence Variant Interpretation Working Group, that a variant meeting PVS1 and PM2_Supporting is classified as Likely Pathogenic. In summary, this variant meets the criteria to be classified as likely pathogenic for MPS I based on the IDUA-specific ACMG/AMP criteria applied, as specified by the ClinGen Lysosomal Diseases Variant Curation Expert Panel (Specifications Version 1.2.0): PVS1, PM2_supporting (Classification approved by the ClinGen Lysosomal Diseases Variant Curation Expert Panel on May 4, 2026)